The following is an entry in ClinVar:

ClinVar aggregate classification (germline): Uncertain significance (1 of 4 stars; one submission).

Conditions:
Charcot-Marie-Tooth disease type 4. Also called: Charcot-Marie-Tooth disease, type IV; Charcot-Marie-Tooth, Type 4. Identifiers: Orphanet 64749, MedGen C4082197, MONDO:0018995.

Submission:

Labcorp Genetics (formerly Invitae), Labcorp
Classification: Uncertain significance for Charcot-Marie-Tooth disease type 4. Last evaluated: 2022-02-17. Review status: criteria provided, single submitter. Criteria: Invitae Variant Classification Sherloc (09022015). Collection method: clinical testing. Allele origin: germline.
Comment: In summary, the available evidence is currently insufficient to determine the role of this variant in disease. Therefore, it has been classified as a Variant of Uncertain Significance. Advanced modeling of protein sequence and biophysical properties (such as structural, functional, and spatial information, amino acid conservation, physicochemical variation, residue mobility, and thermodynamic stability) performed at Invitae indicates that this missense variant is not expected to disrupt SH3TC2 protein function. This variant has not been reported in the literature in individuals affected with SH3TC2-related conditions. This variant is not present in population databases (gnomAD no frequency). This sequence change replaces asparagine, which is neutral and polar, with serine, which is neutral and polar, at codon 147 of the SH3TC2 protein (p.Asn147Ser).

NM_024577.4(SH3TC2):c.440A>G (p.Asn147Ser)

Gene: SH3TC2 (SH3 domain and tetratricopeptide repeats 2; minus strand). Cytogenetic location: 5q32.
Variant type: single nucleotide variant.
Coding change: c.440A>G on transcript NM_024577.4 (MANE Select); coding-DNA position 440, A replaced by G.
Protein change: p.Asn147Ser; replaces asparagine 147 with serine.
Molecular consequence: missense variant.
Genome position (GRCh38, 1-based): chr5:149,042,783, T>C on the plus strand (A>G on the coding strand, the complement: SH3TC2 is on the minus strand). VCF-style: chr5-149042783-T-C. GRCh37 (hg19) VCF-style: chr5-148422346-T-C.
Other names: short protein forms N147S.
Identifiers: ClinVar variation 2085423 (VCV002085423.2), dbSNP rs369817632, ClinGen allele CA128998584.